The following is an entry in ClinVar:

ClinVar aggregate classification (germline): Uncertain significance. Review status: criteria provided, single submitter (1 of 4 stars). 2 submissions from 2 submitters: Uncertain significance (1). 1 of the submissions does not count toward it. Last evaluated 2023-08-04.

Conditions:
RASopathy. Also called: rasopathies; Noonan spectrum disorder. Identifiers: Orphanet 536391, MedGen C5555857, MONDO:0021060.
Noonan syndrome (NS). Also called: Noonan's syndrome. Identifiers: Orphanet 648, MedGen C0028326, MeSH D009634, MONDO:0018997. Disease mechanism: gain of function.

Submissions (2):

Labcorp Genetics (formerly Invitae), Labcorp
Classification: Uncertain significance for RASopathy. Last evaluated: 2023-08-04. Review status: criteria provided, single submitter. Criteria: Invitae Variant Classification Sherloc (09022015). Collection method: clinical testing. Allele origin: germline.
Comment: In summary, the available evidence is currently insufficient to determine the role of this variant in disease. Therefore, it has been classified as a Variant of Uncertain Significance. Advanced modeling of protein sequence and biophysical properties (such as structural, functional, and spatial information, amino acid conservation, physicochemical variation, residue mobility, and thermodynamic stability) has been performed at Invitae for this missense variant, however the output from this modeling did not meet the statistical confidence thresholds required to predict the impact of this variant on SOS1 protein function. ClinVar contains an entry for this variant (Variation ID: 981566). This variant has not been reported in the literature in individuals affected with SOS1-related conditions. This variant is not present in population databases (gnomAD no frequency). This sequence change replaces isoleucine, which is neutral and non-polar, with phenylalanine, which is neutral and non-polar, at codon 469 of the SOS1 protein (p.Ile469Phe).

Service de Génétique Moléculaire, Hôpital Robert Debré
Classification: Uncertain significance for Noonan syndrome. Review status: no assertion criteria provided. Collection method: clinical testing. Allele origin: unknown. Affected: yes. Not counted in ClinVar's aggregate classification.

NM_005633.4(SOS1):c.1405A>T (p.Ile469Phe)

Gene: SOS1 (SOS Ras/Rac guanine nucleotide exchange factor 1; minus strand). Cytogenetic location: 2p22.1.
Variant type: single nucleotide variant.
Coding change: c.1405A>T on transcript NM_005633.4 (MANE Select); coding-DNA position 1405, A replaced by T.
Protein change: p.Ile469Phe; replaces isoleucine 469 with phenylalanine.
Molecular consequence: missense variant.
Genome position (GRCh38, 1-based): chr2:39,023,023, T>A on the plus strand (A>T on the coding strand, the complement: SOS1 is on the minus strand). VCF-style: chr2-39023023-T-A. GRCh37 (hg19) VCF-style: chr2-39250164-T-A.
Other names: c.1384A>T, p.Ile462Phe (NM_001382394.1); c.1405A>T, p.Ile469Phe (NM_001382395.1); short protein forms I462F, I469F.
Identifiers: ClinVar variation 981566 (VCV000981566.9), dbSNP rs2529037334, ClinGen allele CA346366245.